The following is an entry in ClinVar:

ClinVar aggregate classification (germline): Uncertain significance (1 of 4 stars; one submission).

Conditions:
Hereditary cancer-predisposing syndrome. Also called: Tumor predisposition; Neoplastic Syndromes, Hereditary; Hereditary Cancer Syndrome; Hereditary neoplastic syndrome. Identifiers: Orphanet 140162, MedGen C0027672, MeSH D009386, MONDO:0015356.

Submission:

Ambry Genetics
Classification: Uncertain significance for Hereditary cancer-predisposing syndrome. Last evaluated: 2024-11-22. Review status: criteria provided, single submitter. Criteria: Ambry Variant Classification Scheme 2023. Collection method: clinical testing. Allele origin: germline.
Comment: The c.1301_1303delATCinsTTT variant (also known as p.D434_H435delinsVY), located in coding exon 8 of the BRIP1 gene, results from an in-frame deletion of ATC and insertion of TTT at nucleotide positions 1301 to 1303. This results in the substitution of aspartate and histidine residues for a valine and tyrosine residue at codon 434 and 435. This amino acid region is not well conserved in available vertebrate species. In addition, the in silico prediction for this alteration is inconclusive (Choi Y et al. PLoS ONE. 2012; 7(10):e46688). Based on the available evidence, the clinical significance of this variant remains unclear.

NM_032043.3(BRIP1):c.1301_1303delinsTTT (p.Asp434_His435delinsValTyr)

Gene: BRIP1 (BRCA1 interacting DNA helicase 1; minus strand). Cytogenetic location: 17q23.2.
Variant type: Indel.
Coding change: c.1301_1303delinsTTT on transcript NM_032043.3 (MANE Select); coding-DNA positions 1301 to 1303, ATC replaced by TTT.
Protein change: p.Asp434_His435delinsValTyr.
Molecular consequence: missense variant.
Genome position (GRCh38, 1-based): chr17:61,799,137-61,799,139, GAT replaced by AAA on the plus strand (ATC replaced by TTT on the coding strand, the reverse complement: BRIP1 is on the minus strand). VCF-style: chr17-61799137-GAT-AAA. GRCh37 (hg19) VCF-style: chr17-59876498-GAT-AAA.
Identifiers: ClinVar variation 3482473 (VCV003482473.1).
Genomic context (GRCh38, chr17:61,799,137, plus strand): 5'-CACTAATAGACAAATCTTCTTACTTAATGAGGCTACAGCACACAGCTCGTAGGGGTTCAT[GAT>AAA]CTTTCTTCCTTATATTATTGTTGACCATACTATCTAGTTCATCCCGAGCAAACCGAAGCT-3'